The following is an entry in ClinVar:

ClinVar aggregate classification (germline): Likely pathogenic (1 of 4 stars; one submission).

Conditions:
Ichthyosis vulgaris. Also called: ICHTHYOSIS SIMPLEX; Dominant ichthyosis vulgaris. Identifiers: MedGen C0079584, MONDO:0024304, OMIM 146700.

Submission:

Laboratory of Medical Genetics, National & Kapodistrian University of Athens
Classification: Likely pathogenic for Ichthyosis vulgaris. Last evaluated: 2021-10-01. Review status: criteria provided, single submitter. Criteria: ACMG Guidelines, 2015. Collection method: clinical testing. Allele origin: unknown. Affected: yes.
Comment: PVS1, PM2

Literature cited by the submitters: PubMed 34008892.

NM_002016.2(FLG):c.11048del (p.Gly3683fs)

Genes: FLG (filaggrin; minus strand), CCDST (cervical cancer associated DHX9 suppressive transcript; plus strand). Cytogenetic location: 1q21.3.
Variant type: Deletion.
Coding change: c.11048del on transcript NM_002016.2 (MANE Select); coding-DNA position 11048, one base deleted (G; older notation c.11048delG).
Protein change: p.Gly3683fs; shifts the reading frame from glycine 3683.
Molecular consequence: frameshift variant.
Genome position (GRCh38, 1-based): chr1:152,303,838, C deleted on the plus strand (G on the coding strand, the reverse complement: FLG is on the minus strand); the first of 2 consecutive C bases (chr1:152,303,838-152,303,839); deleting either gives the same sequence. VCF-style (leftmost placement, unchanged base first): chr1-152303837-TC-T. GRCh37 (hg19) VCF-style: chr1-152276313-TC-T.
Other names: c.11047delG (NM_002016.2); short protein forms G3683fs.
Identifiers: ClinVar variation 1299511 (VCV001299511.1), dbSNP rs1365780833, ClinGen allele CA889395689.